The following is an entry in ClinVar:

NM_174916.3(UBR1):c.1286G>A (p.Arg429Gln)

Gene: UBR1 (ubiquitin protein ligase E3 component n-recognin 1; minus strand). Cytogenetic location: 15q15.2.
Variant type: single nucleotide variant.
Coding change: c.1286G>A on transcript NM_174916.3 (MANE Select); coding-DNA position 1286, G replaced by A.
Protein change: p.Arg429Gln; replaces arginine 429 with glutamine.
Molecular consequence: missense variant.
Genome position (GRCh38, 1-based): chr15:43,054,895, C>T on the plus strand (G>A on the coding strand, the complement: UBR1 is on the minus strand). VCF-style: chr15-43054895-C-T. GRCh37 (hg19) VCF-style: chr15-43347093-C-T.
Other names: c.1286G>A (NM_174916.2); short protein forms R429Q.
Identifiers: ClinVar variation 1906826 (VCV001906826.3), dbSNP rs145247056, ClinGen allele CA7518762.
Genomic context (GRCh38, chr15:43,054,895, plus strand): 5'-AAAACTTCTAGCAGAGTTTCAGTAATGACAGAGATAACATTCTGCTCTTCAATAAGATGT[C>T]GAGCCTGCGGAATATTTCAAGAATATTTTCTTTAGCATTAACTCATTGTGGTATGGACTT-3'
Protein context (NP_777576.1, residues 419-439): VQMFTVPTLA[Arg429Gln]HLIEEQNVIS

ClinVar aggregate classification (germline): Uncertain significance. Review status: criteria provided, multiple submitters, no conflicts (2 of 4 stars). 2 submissions from 2 submitters: Uncertain significance (2). Last evaluated 2024-12-04.

Conditions:
Inborn genetic diseases. Identifiers: MedGen C0950123, MeSH D030342.

Allele frequency attached by ClinVar (database versions not stated): gnomAD 0.00002; TOPMed 0.00002; gnomAD exomes 0.00003; ExAC 0.00007; ESP Exome Variant Server 0.00008.
gnomAD v4.1: 41 of 1,613,850 alleles (0.0025%); highest among the groups gnomAD compares: South Asian, 0.035%; 2 homozygotes.

Submissions (2):

Ambry Genetics
Classification: Uncertain significance for Inborn genetic diseases. Last evaluated: 2024-12-04. Review status: criteria provided, single submitter. Criteria: Ambry Variant Classification Scheme 2023. Collection method: clinical testing. Allele origin: germline.

Labcorp Genetics (formerly Invitae), Labcorp
Classification: Uncertain significance. Last evaluated: 2022-10-24. Review status: criteria provided, single submitter. Criteria: Invitae Variant Classification Sherloc (09022015). Collection method: clinical testing. Allele origin: germline.
Comment: This sequence change replaces arginine, which is basic and polar, with glutamine, which is neutral and polar, at codon 429 of the UBR1 protein (p.Arg429Gln). This variant is present in population databases (rs145247056, gnomAD 0.02%), including at least one homozygous and/or hemizygous individual. This variant has not been reported in the literature in individuals affected with UBR1-related conditions. Advanced modeling of protein sequence and biophysical properties (such as structural, functional, and spatial information, amino acid conservation, physicochemical variation, residue mobility, and thermodynamic stability) has been performed at Invitae for this missense variant, however the output from this modeling did not meet the statistical confidence thresholds required to predict the impact of this variant on UBR1 protein function. In summary, the available evidence is currently insufficient to determine the role of this variant in disease. Therefore, it has been classified as a Variant of Uncertain Significance.